The following is an entry in ClinVar:

NM_004172.5(SLC1A3):c.449G>A (p.Gly150Asp)

Genes: SLC1A3 (solute carrier family 1 member 3; plus strand), SLC1A3-AS1 (SLC1A3 antisense RNA 1; minus strand). Cytogenetic location: 5p13.2.
Variant type: single nucleotide variant.
Coding change: c.449G>A on transcript NM_004172.5 (MANE Select); coding-DNA position 449, G replaced by A.
Protein change: p.Gly150Asp; replaces glycine 150 with aspartic acid.
Molecular consequence: missense variant.
Genome position (GRCh38, 1-based): chr5:36,671,158, G>A. VCF-style: chr5-36671158-G-A. GRCh37 (hg19) VCF-style: chr5-36671260-G-A.
Other names: c.449G>A, p.Gly150Asp (NM_001166695.3, NM_001289940.2); c.311G>A, p.Gly104Asp (NM_001289939.2); short protein forms G104D, G150D.
Identifiers: ClinVar variation 2016812 (VCV002016812.4), dbSNP rs1290549207, ClinGen allele CA359477504.

ClinVar aggregate classification (germline): Uncertain significance (1 of 4 stars; one submission).

gnomAD v4.1: 1 of 1,613,858 alleles (0.000062%); highest among the groups gnomAD compares: Non-Finnish European, 0.000085%; no homozygotes.

Submission:

Labcorp Genetics (formerly Invitae), Labcorp
Classification: Uncertain significance. Last evaluated: 2022-11-05. Review status: criteria provided, single submitter. Criteria: Invitae Variant Classification Sherloc (09022015). Collection method: clinical testing. Allele origin: germline.
Comment: This variant has not been reported in the literature in individuals affected with SLC1A3-related conditions. This variant is not present in population databases (gnomAD no frequency). This sequence change replaces glycine, which is neutral and non-polar, with aspartic acid, which is acidic and polar, at codon 150 of the SLC1A3 protein (p.Gly150Asp). Advanced modeling of protein sequence and biophysical properties (such as structural, functional, and spatial information, amino acid conservation, physicochemical variation, residue mobility, and thermodynamic stability) performed at Invitae indicates that this missense variant is not expected to disrupt SLC1A3 protein function. In summary, the available evidence is currently insufficient to determine the role of this variant in disease. Therefore, it has been classified as a Variant of Uncertain Significance.